The following is an entry in ClinVar:

NM_001395413.1(POR):c.1789C>T (p.Arg597Trp)

Gene: POR (cytochrome p450 oxidoreductase; plus strand). Cytogenetic location: 7q11.23.
Variant type: single nucleotide variant.
Coding change: c.1789C>T on transcript NM_001395413.1 (MANE Select); coding-DNA position 1789, C replaced by T.
Protein change: p.Arg597Trp; replaces arginine 597 with tryptophan.
Molecular consequence: missense variant.
Genome position (GRCh38, 1-based): chr7:75,986,051, C>T. VCF-style: chr7-75986051-C-T. GRCh37 (hg19) VCF-style: chr7-75615369-C-T.
Other names: c.1789C>T, p.Arg597Trp (NM_001367562.3, NM_001382657.2, NM_001382658.3 and 1 more transcripts); c.1843C>T, p.Arg615Trp (NM_001382655.3); c.1639C>T, p.Arg547Trp (NM_001382662.3); c.1798C>T (NM_000941.2); short protein forms R547W, R597W, R615W.
Identifiers: ClinVar variation 1039921 (VCV001039921.10), dbSNP rs72557950, ClinGen allele CA4304280.

ClinVar aggregate classification (germline): Conflicting classifications of pathogenicity. Review status: criteria provided, conflicting classifications (1 of 4 stars). 3 submissions from 3 submitters: Uncertain significance (1); Likely benign (1). 1 of the submissions does not count toward it. Last evaluated 2026-01-22.

Conditions:
POR-related disorder. Also called: POR-related condition.
Congenital adrenal hyperplasia due to cytochrome P450 oxidoreductase deficiency. Also called: DISORDERED STEROIDOGENESIS DUE TO POR DEFICIENCY. Identifiers: Orphanet 95699, MedGen C1860042, MONDO:0013310, OMIM 613571.

Allele frequency attached by ClinVar (database versions not stated): gnomAD 0.00004 and 0.00003; TOPMed 0.00013; 1000 Genomes Project 0.00020; 1000 Genomes Project 30x 0.00031.
gnomAD v4.1: 113 of 1,560,154 alleles (0.0072%); highest among the groups gnomAD compares: Admixed American, 0.14%; no homozygotes.

Submissions (3):

Labcorp Genetics (formerly Invitae), Labcorp
Classification: Likely benign for Congenital adrenal hyperplasia due to cytochrome P450 oxidoreductase deficiency. Last evaluated: 2026-01-22. Review status: criteria provided, single submitter. Criteria: Invitae Variant Classification Sherloc (09022015). Collection method: clinical testing. Allele origin: germline.

ARUP Laboratories, Molecular Genetics and Genomics, ARUP Laboratories
Classification: Uncertain significance. Last evaluated: 2023-08-25. Review status: criteria provided, single submitter. Criteria: ARUP Molecular Germline Variant Investigation Process 2024. Collection method: clinical testing. Allele origin: germline.
Comment: The POR c.1798C>T; p.Arg600Trp variant (rs72557950), to our knowledge, is not reported in the medical literature associated with disease, but is reported in ClinVar (Variation ID: 1039921). This variant is found in the Latino population with an allele frequency of 0.25% (63/25364 alleles) in the Genome Aggregation Database. The arginine at codon 600 is highly conserved, but computational analyses predict that this variant is neutral (REVEL: 0.099). Functional analyses of the variant protein show reduced enzyme activity (Huang 2008). However, given the lack of clinical data, the significance of the p.Arg600Trp variant is uncertain at this time. References: Huang et al. Genetics of P450 oxidoreductase: sequence variation in 842 individuals of four ethnicities and activities of 15 missense mutations. Proc Natl Acad Sci U S A. 2008 Feb 5;105(5):1733-8. PMID: 18230729

PreventionGenetics, part of Exact Sciences
Classification: Uncertain significance for POR-related condition. Last evaluated: 2024-07-14. Review status: no assertion criteria provided. Collection method: clinical testing. Allele origin: germline. Not counted in ClinVar's aggregate classification.
Comment: The POR c.1798C>T variant is predicted to result in the amino acid substitution p.Arg600Trp. To our knowledge, this variant has not been reported in patients with autosomal recessive POR-related diseases in the literature. Of note, this variant has been included in the genetic studies of the P450 oxidoreductase (POR) variants and their impact on drug metabolism and/or bile acid biosynthesis; and this variant was shown to have variable kinetics in different enzymatic assays (reported as R600W; Huang et al. 2008. PubMed ID: 18230729; Agrawal et al. 2008. PubMed ID: 18551037). This variant is reported in 0.25% of alleles in individuals of Latino descent in gnomAD. Although we suspect this variant may be benign for autosomal recessive POR-related diseases due to the relatively high allele frequency in the general population, the clinical significance of this variant is uncertain due to the absence of conclusive functional and genetic evidence.